The following is an entry in ClinVar:

NM_003072.5(SMARCA4):c.1246-6C>T

Gene: SMARCA4 (SWI/SNF related BAF chromatin remodeling complex subunit ATPase 4; plus strand). Cytogenetic location: 19p13.2.
Variant type: single nucleotide variant.
Coding change: c.1246-6C>T on transcript NM_003072.5 (MANE Select); 6 bases into the intron before coding-DNA position 1246, C replaced by T.
Molecular consequence: intron variant.
Genome position (GRCh38, 1-based): chr19:10,991,144, C>T. VCF-style: chr19-10991144-C-T. GRCh37 (hg19) VCF-style: chr19-11101820-C-T.
Other names: c.1246-6C>T (NM_001128844.3, NM_001128849.3, NM_001128847.4 and 5 more transcripts).
Identifiers: ClinVar variation 537847 (VCV000537847.13), dbSNP rs916108093, ClinGen allele CA305289173.

ClinVar aggregate classification (germline): Conflicting classifications of pathogenicity. Review status: criteria provided, conflicting classifications (1 of 4 stars). 4 submissions from 4 submitters: Uncertain significance (1); Benign (1); Likely benign (2). Last evaluated 2026-07-09.

Conditions:
Rhabdoid tumor predisposition syndrome 2 (RTPS2). Identifiers: Orphanet 231108, Orphanet 69077, MedGen C2750074, MONDO:0013224, OMIM 613325.
Hereditary cancer-predisposing syndrome. Also called: Tumor predisposition; Neoplastic Syndromes, Hereditary; Hereditary Cancer Syndrome; Hereditary neoplastic syndrome. Identifiers: Orphanet 140162, MedGen C0027672, MeSH D009386, MONDO:0015356.

Allele frequency attached by ClinVar (database versions not stated): gnomAD 0.00001 and 0.00002; TOPMed 0.00002; gnomAD exomes 0.00001.

Submissions (4):

Myriad Genetics, Inc.
Classification: Benign for Rhabdoid tumor predisposition syndrome 2. Last evaluated: 2026-07-09. Review status: criteria provided, single submitter. Criteria: Myriad Autosomal Dominant, Autosomal Recessive and X-Linked Classification Criteria (2023). Collection method: clinical testing. Allele origin: unknown.
Comment: This variant is considered benign. This variant is intronic and is not expected to impact mRNA splicing. This variant has been observed at a population frequency that is significantly greater than expected given the associated disease prevalence and penetrance.

Labcorp Genetics (formerly Invitae), Labcorp
Classification: Likely benign for Rhabdoid tumor predisposition syndrome 2. Last evaluated: 2026-01-06. Review status: criteria provided, single submitter. Criteria: Invitae Variant Classification Sherloc (09022015). Collection method: clinical testing. Allele origin: germline.

GeneDx
Classification: Uncertain significance. Last evaluated: 2023-03-14. Review status: criteria provided, single submitter. Criteria: GeneDx Variant Classification Process June 2021. Collection method: clinical testing. Allele origin: germline. Affected: yes.
Comment: In silico analysis supports that this variant does not alter splicing; Has not been previously published as pathogenic or benign to our knowledge

Sema4
Classification: Likely benign for Hereditary cancer-predisposing syndrome. Last evaluated: 2021-08-18. Review status: criteria provided, single submitter. Criteria: Sema4 Curation Guidelines. Collection method: curation. Allele origin: germline.